The following is an entry in ClinVar:

NM_004990.4(MARS1):c.283G>C (p.Ala95Pro)

Gene: MARS1 (methionyl-tRNA synthetase 1; plus strand). Cytogenetic location: 12q13.3.
Variant type: single nucleotide variant.
Coding change: c.283G>C on transcript NM_004990.4 (MANE Select); coding-DNA position 283, G replaced by C.
Protein change: p.Ala95Pro; replaces alanine 95 with proline.
Molecular consequence: missense variant.
Genome position (GRCh38, 1-based): chr12:57,489,427, G>C. VCF-style: chr12-57489427-G-C. GRCh37 (hg19) VCF-style: chr12-57883210-G-C.
Other names: short protein forms A95P.
Identifiers: ClinVar variation 4785806 (VCV004785806.1).

ClinVar aggregate classification (germline): Uncertain significance (1 of 4 stars; one submission).

Conditions:
Severe early-onset pulmonary alveolar proteinosis due to MARS deficiency. Also called: PULMONARY ALVEOLAR PROTEINOSIS, REUNION ISLAND; Interstitial lung and liver disease. Identifiers: Orphanet 440427, MedGen C4225400, MONDO:0014206, OMIM 615486.
Charcot-Marie-Tooth disease axonal type 2U. Also called: CHARCOT-MARIE-TOOTH NEUROPATHY, TYPE 2U; CHARCOT-MARIE-TOOTH DISEASE, AXONAL, AUTOSOMAL DOMINANT, TYPE 2U. Identifiers: Orphanet 397735, MedGen C4084821, MONDO:0014566, OMIM 616280.

Submission:

Labcorp Genetics (formerly Invitae), Labcorp
Classification: Uncertain significance for Charcot-Marie-Tooth disease axonal type 2U; Severe early-onset pulmonary alveolar proteinosis due to MARS deficiency. Last evaluated: 2025-09-23. Review status: criteria provided, single submitter. Criteria: Invitae Variant Classification Sherloc (09022015). Collection method: clinical testing. Allele origin: germline.
Comment: This sequence change replaces alanine, which is neutral and non-polar, with proline, which is neutral and non-polar, at codon 95 of the MARS protein (p.Ala95Pro). This variant is not present in population databases (gnomAD no frequency). This variant has not been reported in the literature in individuals affected with MARS-related conditions. An algorithm developed to predict the effect of missense changes on protein structure and function (PolyPhen-2) suggests that this variant is likely to be disruptive. In summary, the available evidence is currently insufficient to determine the role of this variant in disease. Therefore, it has been classified as a Variant of Uncertain Significance.